The following is an entry in ClinVar:

NM_006904.7(PRKDC):c.7405T>C (p.Cys2469Arg)

Gene: PRKDC (protein kinase, DNA-activated, catalytic subunit; minus strand). Cytogenetic location: 8q11.21.
Variant type: single nucleotide variant.
Coding change: c.7405T>C on transcript NM_006904.7 (MANE Select); coding-DNA position 7405, T replaced by C.
Protein change: p.Cys2469Arg; replaces cysteine 2469 with arginine.
Molecular consequence: missense variant.
Genome position (GRCh38, 1-based): chr8:47,840,065, A>G on the plus strand (T>C on the coding strand, the complement: PRKDC is on the minus strand). VCF-style: chr8-47840065-A-G. GRCh37 (hg19) VCF-style: chr8-48752626-A-G.
Other names: c.7405T>C, p.Cys2469Arg (NM_001081640.2); short protein forms C2469R.
Identifiers: ClinVar variation 475236 (VCV000475236.15), dbSNP rs147514951, ClinGen allele CA4740121.

ClinVar aggregate classification (germline): Likely benign. Review status: criteria provided, multiple submitters, no conflicts (2 of 4 stars). 3 submissions from 3 submitters: Likely benign (2). 1 of the submissions does not count toward it. Last evaluated 2026-01-26.

Conditions:
PRKDC-related disorder. Also called: PRKDC-related condition.
Severe combined immunodeficiency due to DNA-PKcs deficiency. Also called: IMMUNODEFICIENCY 26 WITH NEUROLOGIC ABNORMALITIES; Immunodeficiency 26 with or without neurologic abnormalities. Identifiers: Orphanet 317425, MedGen C4014833, MONDO:0014423, OMIM 615966.

Allele frequency attached by ClinVar (database versions not stated): gnomAD exomes 0.00013 and 0.00036; ExAC 0.00087; 1000 Genomes Project 30x 0.00141; gnomAD 0.00154 and 0.00165; 1000 Genomes Project 0.00160; TOPMed 0.00196; ESP Exome Variant Server 0.00212.
gnomAD v4.1: 435 of 1,561,010 alleles (0.028%); highest among the groups gnomAD compares: African/African-American, 0.48%; 1 homozygote.

Submissions (3):

Labcorp Genetics (formerly Invitae), Labcorp
Classification: Likely benign for Severe combined immunodeficiency due to DNA-PKcs deficiency. Last evaluated: 2026-01-26. Review status: criteria provided, single submitter. Criteria: Invitae Variant Classification Sherloc (09022015). Collection method: clinical testing. Allele origin: germline.

Blueprint Genetics
Classification: Likely benign. Last evaluated: 2024-03-01. Review status: criteria provided, single submitter. Criteria: ACMG Guidelines, 2015. Collection method: clinical testing. Allele origin: germline.

PreventionGenetics, part of Exact Sciences
Classification: Likely benign for PRKDC-related condition. Last evaluated: 2023-07-30. Review status: no assertion criteria provided. Collection method: clinical testing. Allele origin: germline. Not counted in ClinVar's aggregate classification.
Comment: This variant is classified as likely benign based on ACMG/AMP sequence variant interpretation guidelines (Richards et al. 2015 PMID: 25741868, with internal and published modifications).